The following is an entry in ClinVar:

NM_005045.4(RELN):c.26A>T (p.Gln9Leu)

Gene: RELN (reelin; minus strand). Cytogenetic location: 7q22.1.
Variant type: single nucleotide variant.
Coding change: c.26A>T on transcript NM_005045.4 (MANE Select); coding-DNA position 26, A replaced by T.
Protein change: p.Gln9Leu; replaces glutamine 9 with leucine.
Molecular consequence: missense variant.
Genome position (GRCh38, 1-based): chr7:103,989,331, T>A on the plus strand (A>T on the coding strand, the complement: RELN is on the minus strand). VCF-style: chr7-103989331-T-A. GRCh37 (hg19) VCF-style: chr7-103629778-T-A.
Other names: c.26A>T, p.Gln9Leu (NM_173054.3); short protein forms Q9L.
Identifiers: ClinVar variation 3900378 (VCV003900378.1).
Genomic context (GRCh38, chr7:103,989,331, plus strand): 5'-TAGCCAGCCGCCGCGCGCGCCCTCAGCGTCGCCCCCAGCAACAGCGCTAGGAGGAAAGTC[T>A]GCCGGGCCCAGCCACTGCGCTCCATGCCGCCGCCGCCGCCGCCGCCGCCGCGCGCCCTAC-3'
Protein context (NP_005036.2, residues 1-19): MERSGWAR[Gln9Leu]TFLLALLLGA

ClinVar aggregate classification (germline): Uncertain significance (1 of 4 stars; one submission).

Submission:

GeneDx
Classification: Uncertain significance. Last evaluated: 2024-11-19. Review status: criteria provided, single submitter. Criteria: GeneDx Variant Classification Process June 2021. Collection method: clinical testing. Allele origin: germline. Affected: yes.
Comment: Not observed at significant frequency in large population cohorts (gnomAD); In silico analysis indicates that this missense variant does not alter protein structure/function; Has not been previously published as pathogenic or benign to our knowledge